The following is an entry in ClinVar:

NM_004035.7(ACOX1):c.736C>T (p.Arg246Cys)

Gene: ACOX1 (acyl-CoA oxidase 1; minus strand). Cytogenetic location: 17q25.1.
Variant type: single nucleotide variant.
Coding change: c.736C>T on transcript NM_004035.7 (MANE Select); coding-DNA position 736, C replaced by T.
Protein change: p.Arg246Cys; replaces arginine 246 with cysteine.
Molecular consequence: missense variant.
Genome position (GRCh38, 1-based): chr17:75,955,604, G>A on the plus strand (C>T on the coding strand, the complement: ACOX1 is on the minus strand). VCF-style: chr17-75955604-G-A. GRCh37 (hg19) VCF-style: chr17-73951685-G-A.
Other names: c.622C>T, p.Arg208Cys (NM_001185039.2); c.736C>T, p.Arg246Cys (NM_007292.6); short protein forms R208C, R246C.
Identifiers: ClinVar variation 3715469 (VCV003715469.2).

ClinVar aggregate classification (germline): Uncertain significance (1 of 4 stars; one submission).

Conditions:
Acyl-CoA oxidase deficiency. Also called: Peroxisomal acyl-CoA oxidase deficiency; STRAIGHT-CHAIN ACYL-CoA OXIDASE DEFICIENCY; Pseudoneonatal adrenoleukodystrophy. Identifiers: Orphanet 2971, MedGen C1849678, MONDO:0009919, OMIM 264470. Disease mechanism: loss of function.

gnomAD v4.1: 6 of 1,614,124 alleles (0.00037%); highest among the groups gnomAD compares: South Asian, 0.0033%; no homozygotes.

Submission:

Labcorp Genetics (formerly Invitae), Labcorp
Classification: Uncertain significance for Acyl-CoA oxidase deficiency. Last evaluated: 2024-10-24. Review status: criteria provided, single submitter. Criteria: Invitae Variant Classification Sherloc (09022015). Collection method: clinical testing. Allele origin: germline.
Comment: This sequence change replaces arginine, which is basic and polar, with cysteine, which is neutral and slightly polar, at codon 246 of the ACOX1 protein (p.Arg246Cys). This variant is present in population databases (rs767721951, gnomAD 0.003%). This variant has not been reported in the literature in individuals affected with ACOX1-related conditions. Invitae Evidence Modeling of protein sequence and biophysical properties (such as structural, functional, and spatial information, amino acid conservation, physicochemical variation, residue mobility, and thermodynamic stability) indicates that this missense variant is expected to disrupt ACOX1 protein function with a positive predictive value of 80%. In summary, the available evidence is currently insufficient to determine the role of this variant in disease. Therefore, it has been classified as a Variant of Uncertain Significance.